The following is an entry in ClinVar:

NM_144687.4(NLRP12):c.2052G>A (p.Ala684=)

Gene: NLRP12 (NLR family pyrin domain containing 12; minus strand). Cytogenetic location: 19q13.42.
Variant type: single nucleotide variant.
Coding change: c.2052G>A on transcript NM_144687.4 (MANE Select); coding-DNA position 2052, G replaced by A.
Protein change: p.Ala684=; no amino-acid change (alanine 684 retained).
Molecular consequence: synonymous variant.
Genome position (GRCh38, 1-based): chr19:53,809,607, C>T on the plus strand (G>A on the coding strand, the complement: NLRP12 is on the minus strand). VCF-style: chr19-53809607-C-T. GRCh37 (hg19) VCF-style: chr19-54312861-C-T.
Other names: p.Ala684=; c.2052G>A, p.Ala684= (NM_001277126.2, NM_001277129.1).
Identifiers: ClinVar variation 623962 (VCV000623962.54), dbSNP rs755768331, ClinGen allele CA9639280.
Genomic context (GRCh38, chr19:53,809,607, plus strand): 5'-GAACCTAAGCAGCCCCAGGGGATACCCCAGGGATACTTACAGCTGCACCAACAGCGTGTG[C>T]GCTCCTGCGGAGCACCTCGCGCGGTCTTCCCCGTCCGCGCTGTAGGTGGCGCCATACAAG-3'
Protein context (NP_653288.1, residues 674-694): GEDRARCSAG[Ala684=]HTLLVQLPER

ClinVar aggregate classification (germline): Conflicting classifications of pathogenicity. Review status: criteria provided, conflicting classifications (1 of 4 stars). 4 submissions from 4 submitters: Uncertain significance (1); Likely benign (3). Last evaluated 2025-07-29.

Conditions:
Autoinflammatory syndrome. Identifiers: Orphanet 93665, MedGen C3890737, MONDO:0019751.
Familial cold autoinflammatory syndrome 2 (FCAS2). Identifiers: Orphanet 247868, MedGen C2673198, MONDO:0012724, OMIM 611762.

Allele frequency attached by ClinVar (database versions not stated): gnomAD 0.00003; TOPMed 0.00006.
gnomAD v4.1: 112 of 1,612,164 alleles (0.0069%); highest among the groups gnomAD compares: Non-Finnish European, 0.0088%; no homozygotes.

Submissions (4):

Labcorp Genetics (formerly Invitae), Labcorp
Classification: Likely benign for Familial cold autoinflammatory syndrome 2. Last evaluated: 2025-07-29. Review status: criteria provided, single submitter. Criteria: Invitae Variant Classification Sherloc (09022015). Collection method: clinical testing. Allele origin: germline.

Mayo Clinic Laboratories, Mayo Clinic
Classification: Likely benign. Last evaluated: 2025-06-10. Review status: criteria provided, single submitter. Criteria: ACMG Guidelines, 2015. Collection method: clinical testing. Allele origin: germline. Observed: 1 variant allele.
Comment: BP4, BP7

Genome Diagnostics Laboratory, The Hospital for Sick Children
Classification: Uncertain significance for Autoinflammatory syndrome. Last evaluated: 2019-07-01. Review status: criteria provided, single submitter. Criteria: ACMG Guidelines, 2015. Collection method: clinical testing. Allele origin: germline. Affected: yes.

CeGaT Center for Human Genetics Tuebingen
Classification: Likely benign. Last evaluated: 2018-06-01. Review status: criteria provided, single submitter. Criteria: CeGaT Center For Human Genetics Tuebingen Variant Classification Criteria Version 2. Collection method: clinical testing. Allele origin: germline. Affected: yes. Observed: 1 variant allele.